The following is an entry in ClinVar:

ClinVar aggregate classification (germline): Uncertain significance. Review status: criteria provided, multiple submitters, no conflicts (2 of 4 stars). 2 submissions from 2 submitters: Uncertain significance (2). Last evaluated 2024-07-25.

Conditions:
Cardiovascular phenotype. Identifiers: MedGen CN230736.
Alstrom syndrome (ALMS). Identifiers: Orphanet 64, MedGen C0268425, MONDO:0008763, OMIM 203800.

Submissions (2):

Ambry Genetics
Classification: Uncertain significance for Cardiovascular phenotype. Last evaluated: 2024-07-25. Review status: criteria provided, single submitter. Criteria: Ambry Variant Classification Scheme 2023. Collection method: clinical testing. Allele origin: germline.
Comment: The p.L416P variant (also known as c.1247T>C), located in coding exon 6 of the ALMS1 gene, results from a T to C substitution at nucleotide position 1247. The leucine at codon 416 is replaced by proline, an amino acid with similar properties. This amino acid position is well conserved in available vertebrate species. In addition, this alteration is predicted to be tolerated by in silico analysis. Based on the available evidence, the clinical significance of this variant remains unclear.

Labcorp Genetics (formerly Invitae), Labcorp
Classification: Uncertain significance for Alstrom syndrome. Last evaluated: 2022-06-06. Review status: criteria provided, single submitter. Criteria: Invitae Variant Classification Sherloc (09022015). Collection method: clinical testing. Allele origin: germline.
Comment: This sequence change replaces leucine, which is neutral and non-polar, with proline, which is neutral and non-polar, at codon 416 of the ALMS1 protein (p.Leu416Pro). This variant is not present in population databases (gnomAD no frequency). In summary, the available evidence is currently insufficient to determine the role of this variant in disease. Therefore, it has been classified as a Variant of Uncertain Significance. Experimental studies and prediction algorithms are not available or were not evaluated, and the functional significance of this variant is currently unknown. This variant has not been reported in the literature in individuals affected with ALMS1-related conditions.

NM_001378454.1(ALMS1):c.1244T>C (p.Leu415Pro)

Gene: ALMS1 (ALMS1 centrosome and basal body associated protein; plus strand). Cytogenetic location: 2p13.1.
Variant type: single nucleotide variant.
Coding change: c.1244T>C on transcript NM_001378454.1 (MANE Select); coding-DNA position 1244, T replaced by C.
Protein change: p.Leu415Pro; replaces leucine 415 with proline.
Molecular consequence: missense variant.
Genome position (GRCh38, 1-based): chr2:73,426,459, T>C. VCF-style: chr2-73426459-T-C. GRCh37 (hg19) VCF-style: chr2-73653587-T-C.
Other names: c.1247T>C, p.Leu416Pro (NM_015120.4); short protein forms L416P, L415P.
Identifiers: ClinVar variation 1948555 (VCV001948555.6), dbSNP rs2466052785, ClinGen allele CA347261824.
Genomic context (GRCh38, chr2:73,426,459, plus strand): 5'-CTGAGCCTAGTTTTACTATACATACAATTATGCAAAATGACTCCTATTTTGTAGAGGGCC[T>C]GCAGGGGAAGGTTGAGTCTGACGTCATTACTCTGGATGGCCTAAATGAAAATGCTGTTGT-3'
Protein context (NP_001365383.1, residues 405-425): KQAETYLTKG[Leu415Pro]QGKVESDVIT